The following is an entry in ClinVar:

NM_004380.3(CREBBP):c.2988A>T (p.Glu996Asp)

Gene: CREBBP (CREB binding lysine acetyltransferase; minus strand). Cytogenetic location: 16p13.3.
Variant type: single nucleotide variant.
Coding change: c.2988A>T on transcript NM_004380.3 (MANE Select); coding-DNA position 2988, A replaced by T.
Protein change: p.Glu996Asp; replaces glutamic acid 996 with aspartic acid.
Molecular consequence: missense variant.
Genome position (GRCh38, 1-based): chr16:3,769,246, T>A on the plus strand (A>T on the coding strand, the complement: CREBBP is on the minus strand). VCF-style: chr16-3769246-T-A. GRCh37 (hg19) VCF-style: chr16-3819247-T-A.
Other names: c.2874A>T, p.Glu958Asp (NM_001079846.1); short protein forms E958D, E996D.
Identifiers: ClinVar variation 5039947 (VCV005039947.1).

ClinVar aggregate classification (germline): Uncertain significance (1 of 4 stars; one submission).

gnomAD v4.1: 1 of 1,614,132 alleles (0.000062%); highest among the groups gnomAD compares: Non-Finnish European, 0.000085%; no homozygotes.

Submission:

CeGaT Center for Human Genetics Tuebingen
Classification: Uncertain significance. Last evaluated: 2026-06-01. Review status: criteria provided, single submitter. Criteria: CeGaT Center For Human Genetics Tuebingen Variant Classification Criteria Version 2. Collection method: clinical testing. Allele origin: germline. Affected: yes. Observed: 1 variant allele.
Comment: CREBBP: PP2, BP4